The following is an entry in ClinVar:

NM_015102.5(NPHP4):c.2110G>A (p.Val704Met)

Gene: NPHP4 (nephrocystin 4; minus strand). Cytogenetic location: 1p36.31.
Variant type: single nucleotide variant.
Coding change: c.2110G>A on transcript NM_015102.5 (MANE Select); coding-DNA position 2110, G replaced by A.
Protein change: p.Val704Met; replaces valine 704 with methionine.
Molecular consequence: missense variant. On other transcripts: non-coding transcript variant (1).
Genome position (GRCh38, 1-based): chr1:5,904,650, C>T on the plus strand (G>A on the coding strand, the complement: NPHP4 is on the minus strand). VCF-style: chr1-5904650-C-T. GRCh37 (hg19) VCF-style: chr1-5964710-C-T.
Other names: c.571G>A, p.Val191Met (NM_001291593.2); c.574G>A, p.Val192Met (NM_001291594.2); short protein forms V191M, V192M, V704M.
Identifiers: ClinVar variation 2077216 (VCV002077216.1), dbSNP rs753145756, ClinGen allele CA554272.

ClinVar aggregate classification (germline): Uncertain significance (1 of 4 stars; one submission).

Conditions:
Nephronophthisis. Also called: Juvenile Nephronophthisis. Identifiers: Orphanet 655, MedGen C0687120, MONDO:0019005, HP:0000090.

gnomAD v4.1: 11 of 1,612,764 alleles (0.00068%); highest among the groups gnomAD compares: East Asian, 0.018%; no homozygotes.

Submission:

Labcorp Genetics (formerly Invitae), Labcorp
Classification: Uncertain significance for Nephronophthisis. Last evaluated: 2022-03-27. Review status: criteria provided, single submitter. Criteria: Invitae Variant Classification Sherloc (09022015). Collection method: clinical testing. Allele origin: germline.
Comment: This sequence change replaces valine, which is neutral and non-polar, with methionine, which is neutral and non-polar, at codon 704 of the NPHP4 protein (p.Val704Met). This variant is present in population databases (rs753145756, gnomAD 0.02%). This variant has not been reported in the literature in individuals affected with NPHP4-related conditions. Algorithms developed to predict the effect of missense changes on protein structure and function output the following: SIFT: "Tolerated"; PolyPhen-2: "Benign"; Align-GVGD: "Class C0". The methionine amino acid residue is found in multiple mammalian species, which suggests that this missense change does not adversely affect protein function. In summary, the available evidence is currently insufficient to determine the role of this variant in disease. Therefore, it has been classified as a Variant of Uncertain Significance.